The following is an entry in ClinVar:

NM_005631.5(SMO):c.413G>A (p.Arg138Gln)

Gene: SMO (smoothened, frizzled class receptor; plus strand). Cytogenetic location: 7q32.1.
Variant type: single nucleotide variant.
Coding change: c.413G>A on transcript NM_005631.5 (MANE Select); coding-DNA position 413, G replaced by A.
Protein change: p.Arg138Gln; replaces arginine 138 with glutamine.
Molecular consequence: missense variant.
Genome position (GRCh38, 1-based): chr7:129,203,465, G>A. VCF-style: chr7-129203465-G-A. GRCh37 (hg19) VCF-style: chr7-128843306-G-A.
Other names: short protein forms R138Q.
Identifiers: ClinVar variation 3600448 (VCV003600448.1).
Genomic context (GRCh38, chr7:129,203,465, plus strand): 5'-GCTGGGCAGTGATCCAGCCCCTGCTGTGTGCCGTATACATGCCCAAGTGTGAGAATGACC[G>A]GGTGGAGCTGCCCAGCCGTACCCTCTGCCAGGCCACCCGAGGCCCCTGTGCCATCGTGGA-3'
Protein context (NP_005622.1, residues 128-148): AVYMPKCEND[Arg138Gln]VELPSRTLCQ

ClinVar aggregate classification (germline): Uncertain significance (1 of 4 stars; one submission).

Conditions:
Congenital hypothalamic hamartoma syndrome. Also called: PALLISTER-HALL-LIKE SYNDROME. Identifiers: MedGen C5435677, MONDO:0009436, OMIM 241800.

gnomAD v4.1: 26 of 1,586,744 alleles (0.0016%); highest among the groups gnomAD compares: Middle Eastern, 0.017%; no homozygotes.

Submission:

Clinical Genomics Laboratory, Washington University in St. Louis
Classification: Uncertain significance for Congenital hypothalamic hamartoma syndrome. Last evaluated: 2024-10-29. Review status: criteria provided, single submitter. Criteria: ACMG Guidelines, 2015. Collection method: clinical testing. Allele origin: germline.
Comment: A SMO c.413G>A (p.Arg138Gln) variant was identified at a heterozygous allelic fraction of 50.15%, a frequency which may be consistent with germline origin. This variant, to our knowledge, has not been reported in the medical literature and it is observed on 26/1,586,744 alleles in the general population (gnomAD v.4.1.0), indicating it is not a common variant. Computational predictors suggest that this variant does not impact SMO function. Due to limited information, and based on ACMG/AMP guidelines for variant interpretation (Richards S et al., PMID: 25741868), the clinical significance of this variant is uncertain at this time.